The following is an entry in ClinVar:

NM_000179.3(MSH6):c.1953T>C (p.Ile651=)

Gene: MSH6 (mutS homolog 6; plus strand). Cytogenetic location: 2p16.3.
Variant type: single nucleotide variant.
Coding change: c.1953T>C on transcript NM_000179.3 (MANE Select); coding-DNA position 1953, T replaced by C.
Protein change: p.Ile651=; no amino-acid change (isoleucine 651 retained).
Molecular consequence: synonymous variant.
Genome position (GRCh38, 1-based): chr2:47,799,936, T>C. VCF-style: chr2-47799936-T-C. GRCh37 (hg19) VCF-style: chr2-48027075-T-C.
Other names: c.1563T>C, p.Ile521= (NM_001281492.2); c.1047T>C, p.Ile349= (NM_001281493.2, NM_001281494.2).
Identifiers: ClinVar variation 760236 (VCV000760236.14), dbSNP rs746352186, ClinGen allele CA426121356.
Genomic context (GRCh38, chr2:47,799,936, plus strand): 5'-CAAAACTTTGAGAACTCTCCTTGAGGAAGAATATTTTAGGGAAAAGCTAAGTGATGGCAT[T>C]GGGGTGATGTTACCCCAGGTGCTTAAAGGTATGACTTCAGAGTCTGATTCCATTGGGTTG-3'
Protein context (NP_000170.1, residues 641-661): EYFREKLSDG[Ile651=]GVMLPQVLKG

ClinVar aggregate classification (germline): Benign/Likely benign. Review status: criteria provided, multiple submitters, no conflicts (2 of 4 stars). 3 submissions from 3 submitters: Benign (1); Likely benign (2). Last evaluated 2024-12-30.

Conditions:
Hereditary cancer-predisposing syndrome. Also called: Tumor predisposition; Neoplastic Syndromes, Hereditary; Hereditary Cancer Syndrome; Hereditary neoplastic syndrome. Identifiers: Orphanet 140162, MedGen C0027672, MeSH D009386, MONDO:0015356.
Lynch syndrome 5 (LYNCH5). Also called: Colorectal cancer, hereditary nonpolyposis, type 5; Hereditary non-polyposis colorectal cancer, type 5. Identifiers: Orphanet 144, MedGen C1833477, MONDO:0013710, OMIM 614350. Disease mechanism: loss of function.
Hereditary nonpolyposis colorectal neoplasms. Identifiers: MedGen C0009405, MeSH D003123.

Submissions (3):

Myriad Genetics, Inc.
Classification: Benign for Lynch syndrome 5. Last evaluated: 2024-12-30. Review status: criteria provided, single submitter. Criteria: Myriad Autosomal Dominant, Autosomal Recessive and X-Linked Classification Criteria (2023). Collection method: clinical testing. Allele origin: unknown.
Comment: This variant is considered benign. This variant is a silent/synonymous amino acid change and it is not expected to impact splicing.

Ambry Genetics
Classification: Likely benign for Hereditary cancer-predisposing syndrome. Last evaluated: 2022-03-31. Review status: criteria provided, single submitter. Criteria: Ambry Variant Classification Scheme 2023. Collection method: clinical testing. Allele origin: germline.

Labcorp Genetics (formerly Invitae), Labcorp
Classification: Likely benign for Hereditary nonpolyposis colorectal neoplasms. Last evaluated: 2018-05-17. Review status: criteria provided, single submitter. Criteria: Invitae Variant Classification Sherloc (09022015). Collection method: clinical testing. Allele origin: germline.